The following is an entry in ClinVar:

NM_024642.5(GALNT12):c.26G>T (p.Arg9Leu)

Gene: GALNT12 (polypeptide N-acetylgalactosaminyltransferase 12; plus strand). Cytogenetic location: 9q22.33.
Variant type: single nucleotide variant.
Coding change: c.26G>T on transcript NM_024642.5 (MANE Select); coding-DNA position 26, G replaced by T.
Protein change: p.Arg9Leu; replaces arginine 9 with leucine.
Molecular consequence: missense variant.
Genome position (GRCh38, 1-based): chr9:98,807,724, G>T. VCF-style: chr9-98807724-G-T. GRCh37 (hg19) VCF-style: chr9-101570006-G-T.
Other names: short protein forms R9L.
Identifiers: ClinVar variation 2566269 (VCV002566269.2), dbSNP rs1163432196, ClinGen allele CA374222045.

ClinVar aggregate classification (germline): Uncertain significance (1 of 4 stars; one submission).

Submission:

Ambry Genetics
Classification: Uncertain significance. Last evaluated: 2023-05-21. Review status: criteria provided, single submitter. Criteria: Ambry Variant Classification Scheme 2023. Collection method: clinical testing. Allele origin: germline.
Comment: The p.R9L variant (also known as c.26G>T), located in coding exon 1 of the GALNT12 gene, results from a G to T substitution at nucleotide position 26. The arginine at codon 9 is replaced by leucine, an amino acid with dissimilar properties. This amino acid position is conserved. In addition, this alteration is predicted to be tolerated by in silico analysis. Since supporting evidence is limited at this time, the clinical significance of this alteration remains unclear.